The following is an entry in ClinVar:

ClinVar aggregate classification (germline): Likely benign (1 of 4 stars; one submission).

Submission:

CeGaT Center for Human Genetics Tuebingen
Classification: Likely benign. Last evaluated: 2022-11-01. Review status: criteria provided, single submitter. Criteria: CeGaT Center For Human Genetics Tuebingen Variant Classification Criteria Version 2. Collection method: clinical testing. Allele origin: germline. Affected: yes. Observed: 1 variant allele.
Comment: PRDM6: BS2

NM_001136239.4(PRDM6):c.268GCCTCCTCC[4] (p.Ser95_Cys96insAlaSerSerAlaSerSer)

Genes: PRDM6 (PR/SET domain 6; plus strand), PRDM6-AS1 (PRDM6 antisense RNA 1; minus strand). Cytogenetic location: 5q23.2.
Variant type: Microsatellite.
Coding change: c.268GCCTCCTCC[4] on transcript NM_001136239.4 (MANE Select); four copies in a row of the 9-base unit GCCTCCTCC starting at c.268; the reference has two copies in a row; two copies, 18 bases duplicated.
Protein change: p.Ser95_Cys96insAlaSerSerAlaSerSer.
Molecular consequence: inframe insertion. On other transcripts: non-coding transcript variant (1).
Genome position (GRCh38, 1-based): chr5:123,090,282-123,090,299, GCCTCCTCCGCCTCCTCC duplicated; duplicating any 18 consecutive bases within chr5:123,090,277-123,090,299 gives the same sequence; the position shown is the placement nearest the transcript's 3' end. VCF-style (leftmost placement, unchanged base first): chr5-123090276-A-ACCTCCGCCTCCTCCGCCT. GRCh37 (hg19) VCF-style: chr5-122425971-A-ACCTCCGCCTCCTCCGCCT.
Identifiers: ClinVar variation 2655660 (VCV002655660.24), dbSNP rs70988558, ClinGen allele CA3386320.